The following is an entry in ClinVar:

NM_007103.4(NDUFV1):c.914-8_947del

Gene: NDUFV1 (NADH:ubiquinone oxidoreductase core subunit V1; plus strand). Cytogenetic location: 11q13.2.
Variant type: Deletion.
Coding change: c.914-8_947del on transcript NM_007103.4 (MANE Select); 8 bases into the intron before coding-DNA position 914 through coding-DNA position 947, 42 bases deleted.
Molecular consequence: splice acceptor variant.
Genome position (GRCh38, 1-based): chr11:67,611,395-67,611,436, 42 bases deleted. GRCh37 (hg19): chr11:67,378,866-67,378,907.
Other names: c.887-8_920del (NM_001166102.2).
Identifiers: ClinVar variation 2907412 (VCV002907412.3), dbSNP rs2495723625, ClinGen allele CA2695214864.
Genomic context (GRCh38, chr11:67,611,394, plus strand): 5'-AGGACTAGGCAGGTGTGCCGGCCCCAGCCCTGACCATGCATCCCTTTGGGGACCGACTTG[GGGCCCCAGGGGGTGTCACGGGCGGCTGGGACAACCTCCTTGC>G]TGTGATCCCTGGCGGCTCGTCTACCCCACTGATCCCCAAGTCTGTGTGTGAGACGGTGCT-3'

ClinVar aggregate classification (germline): Pathogenic (1 of 4 stars; one submission).

Submission:

Labcorp Genetics (formerly Invitae), Labcorp
Classification: Pathogenic. Last evaluated: 2023-03-09. Review status: criteria provided, single submitter. Criteria: Invitae Variant Classification Sherloc (09022015). Collection method: clinical testing. Allele origin: germline.
Comment: This variant is not present in population databases (gnomAD no frequency). This variant results in the deletion of part of exon 7 (c.914-8_947del) of the NDUFV1 gene. It is expected to disrupt RNA splicing. Variants that disrupt the donor or acceptor splice site typically lead to a loss of protein function (PMID: 16199547), and loss-of-function variants in NDUFV1 are known to be pathogenic (PMID: 10080174, 11349233). This variant has been observed in individual(s) with clinical features of NDUFV1-related conditions (PMID: 23562761). In at least one individual the data is consistent with being in trans (on the opposite chromosome) from a pathogenic variant. It has also been observed to segregate with disease in related individuals. Algorithms developed to predict the effect of sequence changes on RNA splicing suggest that this variant may disrupt the consensus splice site. For these reasons, this variant has been classified as Pathogenic.

Literature cited by the submitters: PubMed 16199547; PubMed 10080174; PubMed 11349233; PubMed 23562761.